The following is an entry in ClinVar:

ClinVar aggregate classification (germline): Uncertain significance (1 of 4 stars; one submission).

Conditions:
Inborn genetic diseases. Identifiers: MedGen C0950123, MeSH D030342.

Submission:

Ambry Genetics
Classification: Uncertain significance for Inborn genetic diseases. Last evaluated: 2024-03-22. Review status: criteria provided, single submitter. Criteria: Ambry Variant Classification Scheme 2023. Collection method: clinical testing. Allele origin: germline.
Comment: The p.E238K variant (also known as c.712G>A), located in coding exon 4 of the ATR gene, results from a G to A substitution at nucleotide position 712. The glutamic acid at codon 238 is replaced by lysine, an amino acid with similar properties. This amino acid position is conserved. In addition, this alteration is predicted to be tolerated by in silico analysis. Based on the available evidence, the clinical significance of this alteration remains unclear.

NM_001184.4(ATR):c.712G>A (p.Glu238Lys)

Gene: ATR (ATR serine/threonine kinase; minus strand). Cytogenetic location: 3q23.
Variant type: single nucleotide variant.
Coding change: c.712G>A on transcript NM_001184.4 (MANE Select); coding-DNA position 712, G replaced by A.
Protein change: p.Glu238Lys; replaces glutamic acid 238 with lysine.
Molecular consequence: missense variant.
Genome position (GRCh38, 1-based): chr3:142,562,690, C>T on the plus strand (G>A on the coding strand, the complement: ATR is on the minus strand). VCF-style: chr3-142562690-C-T. GRCh37 (hg19) VCF-style: chr3-142281532-C-T.
Other names: c.712G>A, p.Glu238Lys (NM_001354579.2); short protein forms E238K.
Identifiers: ClinVar variation 3331310 (VCV003331310.1).